The following is an entry in ClinVar:

NM_001040616.3(LINS1):c.1096G>T (p.Glu366Ter)

Gene: LINS1 (lines homolog 1; minus strand). Cytogenetic location: 15q26.3.
Variant type: single nucleotide variant.
Coding change: c.1096G>T on transcript NM_001040616.3 (MANE Select); coding-DNA position 1096, G replaced by T.
Protein change: p.Glu366Ter; replaces glutamic acid 366 with a stop codon.
Molecular consequence: nonsense. On other transcripts: non-coding transcript variant (3).
Genome position (GRCh38, 1-based): chr15:100,573,777, C>A on the plus strand (G>T on the coding strand, the complement: LINS1 is on the minus strand). VCF-style: chr15-100573777-C-A. GRCh37 (hg19) VCF-style: chr15-101113982-C-A.
Other names: c.349G>T, p.Glu117Ter (NM_001352507.2); c.1051G>T, p.Glu351Ter (NM_001352508.2); short protein forms E366*, E117*, E351*.
Identifiers: ClinVar variation 429992 (VCV000429992.2), dbSNP rs1131691716, ClinGen allele CA393935496.

ClinVar aggregate classification (germline): Pathogenic (1 of 4 stars; one submission).

Submission:

GeneDx
Classification: Pathogenic. Last evaluated: 2017-04-20. Review status: criteria provided, single submitter. Criteria: GeneDx Variant Classification (06012015). Collection method: clinical testing. Allele origin: germline. Affected: yes.
Comment: The E366X variant in the LINS gene not been reported previously as a pathogenic variant nor as a benign variant, to our knowledge. This variant is predicted to cause loss of normal protein function either through protein truncation or nonsense-mediated mRNA decay. It is not observed in large population cohorts (Lek et al., 2016; 1000 Genomes Consortium et al., 2015; Exome Variant Server). We interpret E366X as a pathogenic variant.